The following is an entry in ClinVar:

ClinVar aggregate classification (germline): Uncertain significance. Review status: criteria provided, multiple submitters, no conflicts (2 of 4 stars). 2 submissions from 2 submitters: Uncertain significance (2). Last evaluated 2022-12-13.

Conditions:
Hereditary hemorrhagic telangiectasia (HHT). Also called: ORW DISEASE; Osler Weber Rendu syndrome; OSLER-RENDU-WEBER DISEASE; Osler hemorrhagic telangiectasia syndrome. Identifiers: Orphanet 774, MedGen C0039445, MONDO:0019180. Disease mechanism: loss of function.
Telangiectasia, hereditary hemorrhagic, type 1 (HHT1). Also called: Osler Weber Rendu syndrome type 1; ENG-Related Hereditary Hemorrhagic Telangiectasia. Identifiers: Orphanet 774, MedGen C4551861, MONDO:0008535, OMIM 187300. Disease mechanism: loss of function.

gnomAD v4.1: 2 of 1,614,020 alleles (0.00012%); highest among the groups gnomAD compares: Non-Finnish European, 0.000085%; no homozygotes.

Submissions (4):

Labcorp Genetics (formerly Invitae), Labcorp
Classification: Uncertain significance for Hereditary hemorrhagic telangiectasia. Last evaluated: 2022-12-13. Review status: criteria provided, single submitter. Criteria: Invitae Variant Classification Sherloc (09022015). Collection method: clinical testing. Allele origin: germline.
Comment: In summary, the available evidence is currently insufficient to determine the role of this variant in disease. Therefore, it has been classified as a Variant of Uncertain Significance. This variant disrupts the c.219G nucleotide in the ENG gene. Other variant(s) that disrupt this nucleotide have been determined to be pathogenic (PMID: 17384219, 24196379; Invitae). This suggests that this nucleotide is clinically significant, and that variants that disrupt this position are likely to be disease-causing. This sequence change affects codon 73 of the ENG mRNA. It is a 'silent' change, meaning that it does not change the encoded amino acid sequence of the ENG protein. This variant also falls at the last nucleotide of exon 2, which is part of the consensus splice site for this exon. This variant is present in population databases (rs755348996, gnomAD 0.01%). This variant has not been reported in the literature in individuals affected with ENG-related conditions. ClinVar contains an entry for this variant (Variation ID: 913821). Variants that disrupt the consensus splice site are a relatively common cause of aberrant splicing (PMID: 17576681, 9536098). Algorithms developed to predict the effect of sequence changes on RNA splicing suggest that this variant is not likely to affect RNA splicing.

Illumina Laboratory Services, Illumina
Classification: Uncertain significance for Telangiectasia, hereditary hemorrhagic, type 1. Last evaluated: 2018-01-13. Review status: criteria provided, single submitter. Criteria: ICSL Variant Classification Criteria 13 December 2019. Collection method: clinical testing. Allele origin: germline.

Dr. Peter K. Rogan Lab, Western University
No classification provided (evidence only). Condition: Malignant tumor of urinary bladder. Review status: no classification provided. Collection method: in vitro. Allele origin: not applicable. Functional consequence: retained intron. Not counted in ClinVar's aggregate classification.

Dr. Peter K. Rogan Lab, Western University
No classification provided (evidence only). Condition: Papillary renal cell carcinoma type 1. Review status: no classification provided. Collection method: in vitro. Allele origin: not applicable. Functional consequence: retained intron. Not counted in ClinVar's aggregate classification.

Literature cited by the submitters: PubMed 17384219 (cited by Labcorp Genetics (formerly Invitae), Labcorp); PubMed 24196379 (cited by Labcorp Genetics (formerly Invitae), Labcorp); PubMed 17576681 (cited by Labcorp Genetics (formerly Invitae), Labcorp); PubMed 9536098 (cited by Labcorp Genetics (formerly Invitae), Labcorp).

NM_001114753.3(ENG):c.219G>T (p.Thr73=)

Gene: ENG (endoglin; minus strand). Cytogenetic location: 9q34.11.
Variant type: single nucleotide variant.
Coding change: c.219G>T on transcript NM_001114753.3 (MANE Select); coding-DNA position 219, G replaced by T.
Protein change: p.Thr73=; no amino-acid change (threonine 73 retained).
Molecular consequence: synonymous variant. On other transcripts: 5 prime UTR variant (1).
Genome position (GRCh38, 1-based): chr9:127,843,094, C>A on the plus strand (G>T on the coding strand, the complement: ENG is on the minus strand). VCF-style: chr9-127843094-C-A. GRCh37 (hg19) VCF-style: chr9-130605373-C-A.
Other names: c.219G>T, p.Thr73= (NM_000118.4, NM_001406715.1); c.-328G>T (NM_001278138.2).
Identifiers: ClinVar variation 913821 (VCV000913821.9), dbSNP rs755348996, ClinGen allele CA5253208.
Genomic context (GRCh38, chr9:127,843,094, plus strand): 5'-ACCCCATCTGCCTTGGAGCTTCCTCTGAGCCCCCACCCGACCCTGCCATGGGACACTCAC[C>A]GTTGGGAACTCCAGGAAGAGGACATGGACTTCAAGGATGGCATTGGGGGCCTGAGCCACG-3'
Protein context (NP_001108225.1, residues 63-83): EVHVLFLEFP[Thr73=]GPSQLELTLQ